The following is an entry in ClinVar:

NM_000202.7(IDS):c.-217_103del320

Genes: IDS (iduronate 2-sulfatase; minus strand), LOC130068781 (ATAC-STARR-seq lymphoblastoid active region 30015; plus strand). Cytogenetic location: Xq28.
Variant type: Deletion.
Coding change: c.-217_103del320 on transcript NM_000202.7; 217 bases upstream of the start codon through coding-DNA position 103, 320 bases deleted.
Genome position (GRCh38, 1-based): chrX:149,505,035-149,505,354, 320 bases deleted. GRCh37 (hg19): chrX:148,586,565-148,586,884.
Identifiers: ClinVar variation 221979 (VCV000221979.2), dbSNP rs1557340558, ClinGen allele CA356956.

ClinVar aggregate classification (germline): Pathogenic (1 of 4 stars; one submission).

Conditions:
Mucopolysaccharidosis, MPS-II (MPS2). Also called: Hunter Syndrome; Mucopolysaccharidosis with skin involvement; Mucopolysaccharidosis type 2; IDURONATE 2-SULFATASE DEFICIENCY; Mucopolysaccharidosis Type II; IDS deficiency. Identifiers: Orphanet 580, Orphanet 79388, MedGen C0026705, MONDO:0010674, OMIM 309900.

Submission:

MOLECULAR BIOLOGY LABORATORY, INSTITUTO NACIONAL DE PEDIATRIA
Classification: Pathogenic for Mucopolysaccharidosis, MPS-II. Last evaluated: 2015-10-18. Review status: criteria provided, single submitter. Criteria: ACMG Guidelines, 2007. Collection method: research. Allele origin: maternal. Affected: yes. Observed: 1 variant allele.

Literature cited by the submitters: PubMed 26762690.